The following is an entry in ClinVar:

NM_001042492.3(NF1):c.4283A>G (p.Asp1428Gly)

Gene: NF1 (neurofibromin 1; plus strand). Cytogenetic location: 17q11.2.
Variant type: single nucleotide variant.
Coding change: c.4283A>G on transcript NM_001042492.3 (MANE Select); coding-DNA position 4283, A replaced by G.
Protein change: p.Asp1428Gly; replaces aspartic acid 1428 with glycine.
Molecular consequence: missense variant.
Genome position (GRCh38, 1-based): chr17:31,258,453, A>G. VCF-style: chr17-31258453-A-G. GRCh37 (hg19) VCF-style: chr17-29585471-A-G.
Other names: c.4220A>G, p.Asp1407Gly (NM_000267.4); short protein forms D1407G, D1428G.
Identifiers: ClinVar variation 3671853 (VCV003671853.2).

ClinVar aggregate classification (germline): Uncertain significance (1 of 4 stars; one submission).

Conditions:
Neurofibromatosis, type 1 (NF1). Also called: VON RECKLINGHAUSEN DISEASE; NEUROFIBROMATOSIS, TYPE I, SOMATIC; Neurofibromatosis, type I; Peripheral type neurofibromatosis. Identifiers: Orphanet 636, MedGen C0027831, MONDO:0018975, OMIM 162200. Disease mechanism: loss of function.

Submission:

Labcorp Genetics (formerly Invitae), Labcorp
Classification: Uncertain significance for Neurofibromatosis, type 1. Last evaluated: 2024-06-10. Review status: criteria provided, single submitter. Criteria: Invitae Variant Classification Sherloc (09022015). Collection method: clinical testing. Allele origin: germline.
Comment: This sequence change replaces aspartic acid, which is acidic and polar, with glycine, which is neutral and non-polar, at codon 1407 of the NF1 protein (p.Asp1407Gly). This variant is not present in population databases (gnomAD no frequency). This variant has not been reported in the literature in individuals affected with NF1-related conditions. Advanced modeling of protein sequence and biophysical properties (such as structural, functional, and spatial information, amino acid conservation, physicochemical variation, residue mobility, and thermodynamic stability) performed at Invitae indicates that this missense variant is not expected to disrupt NF1 protein function with a negative predictive value of 95%. RNA analysis performed to evaluate the impact of this missense change on mRNA splicing indicates it does not significantly alter splicing (Invitae). In summary, the available evidence is currently insufficient to determine the role of this variant in disease. Therefore, it has been classified as a Variant of Uncertain Significance.